The following is an entry in ClinVar:

ClinVar aggregate classification (germline): Likely pathogenic (1 of 4 stars; one submission).

Conditions:
Permanent neonatal diabetes mellitus (PNDM). Identifiers: Orphanet 99885, MedGen C1833104, MONDO:0100164, MONDO:0011643. Disease mechanism: gain of function.

Submission:

Natera, Inc.
Classification: Likely pathogenic for Permanent neonatal diabetes mellitus. Last evaluated: 2024-09-30. Review status: criteria provided, single submitter. Criteria: Natera Variant Classification Schema (03/2026). Collection method: clinical testing. Allele origin: germline.
Comment: The c.1021dupA variant in KCNJ11 is a frameshift variant predicted to shift the reading frame beginning at codon 341 and leads to a stop codon 10 codons downstream. This variant is expected to result in nonsense mediated decay, truncation, or a dysfunctional protein product. This variant is rare in the general population with a frequency below the threshold expected for the associated phenotype(s). Given the available evidence, this variant is classified as Likely Pathogenic.

NM_000525.4(KCNJ11):c.1021dup (p.Thr341fs)

Gene: KCNJ11 (potassium inwardly rectifying channel subfamily J member 11; minus strand). Cytogenetic location: 11p15.1.
Variant type: Duplication.
Coding change: c.1021dup on transcript NM_000525.4 (MANE Select); coding-DNA position 1021, one base duplicated (A; older notation c.1021dupA).
Protein change: p.Thr341fs; shifts the reading frame from threonine 341.
Molecular consequence: frameshift variant.
Genome position (GRCh38, 1-based): chr11:17,387,071, T duplicated on the plus strand (A on the coding strand, the reverse complement: KCNJ11 is on the minus strand). VCF-style (leftmost placement, unchanged base first): chr11-17387070-G-GT. GRCh37 (hg19) VCF-style: chr11-17408617-G-GT.
Other names: c.760dup, p.Thr254fs (NM_001166290.2, NM_001377296.1, NM_001377297.1); short protein forms T254fs, T341fs.
Identifiers: ClinVar variation 4814299 (VCV004814299.1).